The following is an entry in ClinVar:

ClinVar aggregate classification (germline): Uncertain significance (1 of 4 stars; one submission).

Conditions:
Brugada syndrome. Also called: Sudden unexpected nocturnal death syndrome; Sudden unexplained nocturnal death syndrome; Sudden Unexplained Death Syndrome; Sudden Unexplained Nocturnal Death Syndrome (SUNDS). Identifiers: Orphanet 130, MedGen C1142166, MONDO:0015263.

Submission:

Labcorp Genetics (formerly Invitae), Labcorp
Classification: Uncertain significance for Brugada syndrome. Last evaluated: 2022-02-27. Review status: criteria provided, single submitter. Criteria: Invitae Variant Classification Sherloc (09022015). Collection method: clinical testing. Allele origin: germline.
Comment: Advanced modeling of protein sequence and biophysical properties (such as structural, functional, and spatial information, amino acid conservation, physicochemical variation, residue mobility, and thermodynamic stability) performed at Invitae indicates that this missense variant is expected to disrupt SCN10A protein function. In summary, the available evidence is currently insufficient to determine the role of this variant in disease. Therefore, it has been classified as a Variant of Uncertain Significance. This variant has not been reported in the literature in individuals affected with SCN10A-related conditions. This variant is not present in population databases (gnomAD no frequency). This sequence change replaces valine, which is neutral and non-polar, with phenylalanine, which is neutral and non-polar, at codon 860 of the SCN10A protein (p.Val860Phe).

NM_006514.4(SCN10A):c.2578G>T (p.Val860Phe)

Gene: SCN10A (sodium voltage-gated channel alpha subunit 10; minus strand). Cytogenetic location: 3p22.2.
Variant type: single nucleotide variant.
Coding change: c.2578G>T on transcript NM_006514.4 (MANE Select); coding-DNA position 2578, G replaced by T.
Protein change: p.Val860Phe; replaces valine 860 with phenylalanine.
Molecular consequence: missense variant.
Genome position (GRCh38, 1-based): chr3:38,728,604, C>A on the plus strand (G>T on the coding strand, the complement: SCN10A is on the minus strand). VCF-style: chr3-38728604-C-A. GRCh37 (hg19) VCF-style: chr3-38770095-C-A.
Other names: c.2578G>T, p.Val860Phe (NM_001293306.2); c.2284G>T, p.Val762Phe (NM_001293307.2); short protein forms V762F, V860F.
Identifiers: ClinVar variation 2104087 (VCV002104087.4), dbSNP rs747984594, ClinGen allele CA352160162.
Genomic context (GRCh38, chr3:38,728,604, plus strand): 5'-CCAGGTTCCCTAGCACCATCACCGTCAAGAAAAGGATGAGGCATATGGATTTTTGGCCAA[C>A]TTCCATGCAGGCCCACATGTTCTCAATCCACTCTCCACAGAGGATACGGAAGACAATGAG-3'
Protein context (NP_006505.4, residues 850-870): WIENMWACME[Val860Phe]GQKSICLILF